The following is an entry in ClinVar:

NM_006277.3(ITSN2):c.3877G>A (p.Ala1293Thr)

Gene: ITSN2 (intersectin 2; minus strand). Cytogenetic location: 2p23.3.
Variant type: single nucleotide variant.
Coding change: c.3877G>A on transcript NM_006277.3 (MANE Select); coding-DNA position 3877, G replaced by A.
Protein change: p.Ala1293Thr; replaces alanine 1293 with threonine.
Molecular consequence: missense variant.
Genome position (GRCh38, 1-based): chr2:24,216,162, C>T on the plus strand (G>A on the coding strand, the complement: ITSN2 is on the minus strand). VCF-style: chr2-24216162-C-T. GRCh37 (hg19) VCF-style: chr2-24439031-C-T.
Other names: c.3835G>A, p.Ala1279Thr (NM_001348181.2); c.3757G>A, p.Ala1253Thr (NM_001348182.2); c.3796G>A, p.Ala1266Thr (NM_019595.4); short protein forms A1253T, A1266T, A1279T, A1293T.
Identifiers: ClinVar variation 3046107 (VCV003046107.2), dbSNP rs147788725, ClinGen allele CA1550762.

ClinVar aggregate classification (germline): Uncertain significance (0 of 4 stars; one submission).

Conditions:
ITSN2-related disorder. Also called: ITSN2-related condition.

Allele frequency attached by ClinVar (database versions not stated): gnomAD exomes 0.00006; ExAC 0.00010; gnomAD 0.00029; TOPMed 0.00037; ESP Exome Variant Server 0.00046.
gnomAD v4.1: 136 of 1,612,392 alleles (0.0084%); highest among the groups gnomAD compares: African/African-American, 0.1%; 1 homozygote.

Submission:

PreventionGenetics, part of Exact Sciences
Classification: Uncertain significance for ITSN2-related condition. Last evaluated: 2024-02-14. Review status: no assertion criteria provided. Collection method: clinical testing. Allele origin: germline.
Comment: The ITSN2 c.3877G>A variant is predicted to result in the amino acid substitution p.Ala1293Thr. To our knowledge, this variant has not been reported in the literature. This variant is reported in 0.048% of alleles in individuals of African descent in gnomAD. At this time, the clinical significance of this variant is uncertain due to the absence of conclusive functional and genetic evidence.